The following is an entry in ClinVar:

ClinVar aggregate classification (germline): Uncertain significance (1 of 4 stars; one submission).

Submission:

Labcorp Genetics (formerly Invitae), Labcorp
Classification: Uncertain significance. Last evaluated: 2024-10-23. Review status: criteria provided, single submitter. Criteria: Invitae Variant Classification Sherloc (09022015). Collection method: clinical testing. Allele origin: germline.
Comment: This sequence change disrupts the translational stop signal of the CA4 mRNA. It is expected to extend the length of the CA4 protein by 51 additional amino acid residues. This variant is present in population databases (no rsID available, gnomAD 0.007%). This variant has not been reported in the literature in individuals affected with CA4-related conditions. ClinVar contains an entry for this variant (Variation ID: 1006753). Experimental studies and prediction algorithms are not available or were not evaluated, and the functional significance of this variant is currently unknown. In summary, the available evidence is currently insufficient to determine the role of this variant in disease. Therefore, it has been classified as a Variant of Uncertain Significance.

NM_000717.5(CA4):c.881_935dup (p.Ter313ProextTer?)

Gene: CA4 (carbonic anhydrase 4; plus strand). Cytogenetic location: 17q23.1.
Variant type: Duplication.
Coding change: c.881_935dup on transcript NM_000717.5 (MANE Select); coding-DNA positions 881 to 935, 55 bases duplicated.
Protein change: p.Ter313ProextTer?.
Molecular consequence: frameshift variant. On other transcripts: non-coding transcript variant (1).
Genome position (GRCh38, 1-based): chr17:60,159,366-60,159,420, 55 bases duplicated. GRCh37 (hg19): chr17:58,236,727-58,236,781.
Identifiers: ClinVar variation 1006753 (VCV001006753.6), dbSNP rs1567733151, ClinGen allele CA626783726.